The following is an entry in ClinVar:

ClinVar aggregate classification (germline): Uncertain significance (1 of 4 stars; one submission).

Submission:

Labcorp Genetics (formerly Invitae), Labcorp
Classification: Uncertain significance. Last evaluated: 2024-08-05. Review status: criteria provided, single submitter. Criteria: Invitae Variant Classification Sherloc (09022015). Collection method: clinical testing. Allele origin: germline.
Comment: This sequence change replaces histidine, which is basic and polar, with leucine, which is neutral and non-polar, at codon 1467 of the POLE protein (p.His1467Leu). This variant is not present in population databases (gnomAD no frequency). This variant has not been reported in the literature in individuals affected with POLE-related conditions. ClinVar contains an entry for this variant (Variation ID: 1365951). Advanced modeling of protein sequence and biophysical properties (such as structural, functional, and spatial information, amino acid conservation, physicochemical variation, residue mobility, and thermodynamic stability) performed at Invitae indicates that this missense variant is not expected to disrupt POLE protein function with a negative predictive value of 80%. In summary, the available evidence is currently insufficient to determine the role of this variant in disease. Therefore, it has been classified as a Variant of Uncertain Significance.

NM_006231.4(POLE):c.4400A>T (p.His1467Leu)

Gene: POLE (DNA polymerase epsilon, catalytic subunit; minus strand). Cytogenetic location: 12q24.33.
Variant type: single nucleotide variant.
Coding change: c.4400A>T on transcript NM_006231.4 (MANE Select); coding-DNA position 4400, A replaced by T.
Protein change: p.His1467Leu; replaces histidine 1467 with leucine.
Molecular consequence: missense variant.
Genome position (GRCh38, 1-based): chr12:132,643,451, T>A on the plus strand (A>T on the coding strand, the complement: POLE is on the minus strand). VCF-style: chr12-132643451-T-A. GRCh37 (hg19) VCF-style: chr12-133220037-T-A.
Other names: short protein forms H1467L.
Identifiers: ClinVar variation 1365951 (VCV001365951.6), dbSNP rs2138550753, ClinGen allele CA387381104.